The following is an entry in ClinVar:

ClinVar aggregate classification (germline): Conflicting classifications of pathogenicity. Review status: criteria provided, conflicting classifications (1 of 4 stars). 4 submissions from 4 submitters: Uncertain significance (3); Likely benign (1). Last evaluated 2025-12-03.

Conditions:
Inborn genetic diseases. Identifiers: MedGen C0950123, MeSH D030342.
Nemaline myopathy 2 (NEM2). Also called: Nemaline myopathy 2, autosomal recessive. Identifiers: MedGen C1850569, MONDO:0009725, OMIM 256030.

Allele frequency attached by ClinVar (database versions not stated): ExAC 0.00002; gnomAD exomes 0.00003 and 0.00001; gnomAD 0.00006; TOPMed 0.00008; 1000 Genomes Project 30x 0.00016; 1000 Genomes Project 0.00020.
gnomAD v4.1: 27 of 1,613,784 alleles (0.0017%); highest among the groups gnomAD compares: African/African-American, 0.015%; no homozygotes.

Submissions (4):

Ambry Genetics
Classification: Uncertain significance for Inborn genetic diseases. Last evaluated: 2025-12-03. Review status: criteria provided, single submitter. Criteria: Ambry Variant Classification Scheme 2023. Collection method: clinical testing. Allele origin: germline.

Revvity Omics, Revvity
Classification: Uncertain significance. Last evaluated: 2025-07-08. Review status: criteria provided, single submitter. Criteria: ACMG Guidelines, 2015. Collection method: clinical testing. Allele origin: germline.

Labcorp Genetics (formerly Invitae), Labcorp
Classification: Likely benign for Nemaline myopathy 2. Last evaluated: 2025-05-07. Review status: criteria provided, single submitter. Criteria: Invitae Variant Classification Sherloc (09022015). Collection method: clinical testing. Allele origin: germline.

GeneDx
Classification: Uncertain significance. Last evaluated: 2023-10-30. Review status: criteria provided, single submitter. Criteria: GeneDx Variant Classification Process June 2021. Collection method: clinical testing. Allele origin: germline. Affected: yes.
Comment: In silico analysis supports that this missense variant does not alter protein structure/function; Has not been previously published as pathogenic or benign to our knowledge

NM_001164508.2(NEB):c.17519C>T (p.Ala5840Val)

Gene: NEB (nebulin; minus strand). Cytogenetic location: 2q23.3.
Variant type: single nucleotide variant.
Coding change: c.17519C>T on transcript NM_001164508.2 (MANE Select); coding-DNA position 17519, C replaced by T.
Protein change: p.Ala5840Val; replaces alanine 5840 with valine.
Molecular consequence: missense variant.
Genome position (GRCh38, 1-based): chr2:151,569,284, G>A on the plus strand (C>T on the coding strand, the complement: NEB is on the minus strand). VCF-style: chr2-151569284-G-A. GRCh37 (hg19) VCF-style: chr2-152425798-G-A.
Other names: c.17519C>T, p.Ala5840Val (NM_001164507.2, NM_001271208.2); c.12416C>T, p.Ala4139Val (NM_004543.5); c.12416C>T (NM_004543.4); short protein forms A5840V, A4139V.
Identifiers: ClinVar variation 682236 (VCV000682236.17), dbSNP rs539856643, ClinGen allele CA1908191.